The following is an entry in ClinVar:

ClinVar aggregate classification (germline): Pathogenic (1 of 4 stars; one submission).

Submission:

GeneDx
Classification: Pathogenic. Last evaluated: 2025-05-07. Review status: criteria provided, single submitter. Criteria: GeneDx Variant Classification Process June 2021. Collection method: clinical testing. Allele origin: germline. Affected: yes.
Comment: Reported in an individual with hereditary multiple osteochondromas; however, further detailed clinical and segregation information was not reported (PMID: 19810120); Frameshift variant predicted to result in protein truncation or nonsense mediated decay in a gene for which loss of function is a known mechanism of disease; Not observed at significant frequency in large population cohorts (gnomAD); This variant is associated with the following publications: (PMID: 32636136, 19810120)

NM_000127.3(EXT1):c.1395del (p.Pro466fs)

Gene: EXT1 (exostosin glycosyltransferase 1; minus strand). Cytogenetic location: 8q24.11.
Variant type: Deletion.
Coding change: c.1395del on transcript NM_000127.3 (MANE Select); coding-DNA position 1395, one base deleted (T; older notation c.1395delT).
Protein change: p.Pro466fs; shifts the reading frame from proline 466.
Molecular consequence: frameshift variant.
Genome position (GRCh38, 1-based): chr8:117,822,487, A deleted on the plus strand (T on the coding strand, the reverse complement: EXT1 is on the minus strand); the first of 4 consecutive A bases (chr8:117,822,487-117,822,490); deleting any one gives the same sequence. VCF-style (leftmost placement, unchanged base first): chr8-117822486-GA-G. GRCh37 (hg19) VCF-style: chr8-118834725-GA-G.
Other names: c.1392delT, p.Pro466Leufs (NM_000127.2); short protein forms P466fs.
Identifiers: ClinVar variation 4528242 (VCV004528242.1).